The following is an entry in ClinVar:

ClinVar aggregate classification (germline): Uncertain significance (1 of 4 stars; one submission).

Submission:

GeneDx
Classification: Uncertain significance. Last evaluated: 2024-11-08. Review status: criteria provided, single submitter. Criteria: GeneDx Variant Classification Process June 2021. Collection method: clinical testing. Allele origin: germline.
Comment: Not observed at significant frequency in large population cohorts (gnomAD); In silico analysis indicates that this missense variant does not alter protein structure/function; Reported using an alternate transcript of the gene; Has not been previously published as pathogenic or benign to our knowledge; Variants in candidate genes are classified as variants of uncertain significance in accordance with ACMG guidelines (Richards et al., 2015)

NM_001042492.3(NF1):c.4836-29507T>C

Genes: NF1 (neurofibromin 1; plus strand), OMG (oligodendrocyte myelin glycoprotein; minus strand). Cytogenetic location: 17q11.2.
Variant type: single nucleotide variant.
Coding change: c.4836-29507T>C on transcript NM_001042492.3 (MANE Select); 29507 bases into the intron before coding-DNA position 4836, T replaced by C.
Molecular consequence: intron variant. On other transcripts: missense variant (1).
Genome position (GRCh38, 1-based): chr17:31,296,313, T>C. VCF-style: chr17-31296313-T-C. GRCh37 (hg19) VCF-style: chr17-29623331-T-C.
Other names: c.19A>G, p.Lys7Glu (NM_002544.5); c.4773-29507T>C (NM_000267.4); short protein forms K7E.
Identifiers: ClinVar variation 3361243 (VCV003361243.2).
Genomic context (GRCh38, chr17:31,296,313, plus strand): 5'-GACAAATGCATAAAATACCAGGTGTGAGAAACAGAAGGATGAACAGGCAGAGAGACATTT[T>C]CAATATCTGATATTCCATCAAAGCCTAGAAACAAACAGATACACCCTTCTTTTAATATGC-3'